The following is an entry in ClinVar:

NM_001013838.3(CARMIL2):c.668C>T (p.Ser223Phe)

Gene: CARMIL2 (capping protein regulator and myosin 1 linker 2; plus strand). Cytogenetic location: 16q22.1.
Variant type: single nucleotide variant.
Coding change: c.668C>T on transcript NM_001013838.3 (MANE Select); coding-DNA position 668, C replaced by T.
Protein change: p.Ser223Phe; replaces serine 223 with phenylalanine.
Molecular consequence: missense variant.
Genome position (GRCh38, 1-based): chr16:67,647,172, C>T. VCF-style: chr16-67647172-C-T. GRCh37 (hg19) VCF-style: chr16-67681075-C-T.
Other names: c.668C>T, p.Ser223Phe (NM_001317026.3); short protein forms S223F.
Identifiers: ClinVar variation 1475123 (VCV001475123.8), dbSNP rs1274384597, ClinGen allele CA396332354.

ClinVar aggregate classification (germline): Uncertain significance (1 of 4 stars; one submission).

Submission:

Labcorp Genetics (formerly Invitae), Labcorp
Classification: Uncertain significance. Last evaluated: 2022-06-27. Review status: criteria provided, single submitter. Criteria: Invitae Variant Classification Sherloc (09022015). Collection method: clinical testing. Allele origin: germline.
Comment: Algorithms developed to predict the effect of missense changes on protein structure and function (SIFT, PolyPhen-2, Align-GVGD) all suggest that this variant is likely to be tolerated. This sequence change replaces serine, which is neutral and polar, with phenylalanine, which is neutral and non-polar, at codon 223 of the CARMIL2 protein (p.Ser223Phe). This variant is not present in population databases (gnomAD no frequency). This variant has not been reported in the literature in individuals affected with CARMIL2-related conditions. In summary, the available evidence is currently insufficient to determine the role of this variant in disease. Therefore, it has been classified as a Variant of Uncertain Significance.